The following is an entry in ClinVar:

ClinVar aggregate classification (germline): Pathogenic (1 of 4 stars; one submission).

Conditions:
Neurofibromatosis, type 1 (NF1). Also called: Neurofibromatosis, type I; VON RECKLINGHAUSEN DISEASE; NEUROFIBROMATOSIS, TYPE I, SOMATIC; Peripheral type neurofibromatosis. Identifiers: Orphanet 636, MedGen C0027831, MONDO:0018975, OMIM 162200. Disease mechanism: loss of function.

Submission:

Labcorp Genetics (formerly Invitae), Labcorp
Classification: Pathogenic for Neurofibromatosis, type 1. Last evaluated: 2023-02-24. Review status: criteria provided, single submitter. Criteria: Invitae Variant Classification Sherloc (09022015). Collection method: clinical testing. Allele origin: germline.
Comment: For these reasons, this variant has been classified as Pathogenic. ClinVar contains an entry for this variant (Variation ID: 1459333). This premature translational stop signal has been observed in individual(s) with neurofibromatosis type I (PMID: 23417386). This variant is not present in population databases (gnomAD no frequency). This sequence change creates a premature translational stop signal (p.His130Leufs*35) in the NF1 gene. It is expected to result in an absent or disrupted protein product. Loss-of-function variants in NF1 are known to be pathogenic (PMID: 10712197, 23913538).

Literature cited by the submitters: PubMed 23417386; PubMed 10712197; PubMed 23913538.

NM_001042492.3(NF1):c.389del (p.His130fs)

Gene: NF1 (neurofibromin 1; plus strand). Cytogenetic location: 17q11.2.
Variant type: Deletion.
Coding change: c.389del on transcript NM_001042492.3 (MANE Select); coding-DNA position 389, one base deleted (A; older notation c.389delA).
Protein change: p.His130fs; shifts the reading frame from histidine 130.
Molecular consequence: frameshift variant.
Genome position (GRCh38, 1-based): chr17:31,163,286, A deleted. VCF-style (leftmost placement, unchanged base first): chr17-31163285-CA-C. GRCh37 (hg19) VCF-style: chr17-29490303-CA-C.
Other names: c.389delA, p.His130Leufs (NM_000267.4); c.389del, p.His130fs (NM_001128147.3); short protein forms H130fs.
Identifiers: ClinVar variation 1459333 (VCV001459333.8), dbSNP rs2143672296, ClinGen allele CA2573153579.
Genomic context (GRCh38, chr17:31,163,285, plus strand): 5'-GTCAAACAGTTGCTGCCAGAAATCTGCCATTTTCTTCACACCTGTCGTGAAGGAAACCAG[CA>C]TGCAGCTGAACTTCGGAATTCTGCCTCTGGGGTTTTATTTTCTCTCAGCTGCAACAACTT-3'